The following is an entry in ClinVar:

NM_004336.5(BUB1):c.1652G>A (p.Arg551Lys)

Gene: BUB1 (BUB1 mitotic checkpoint serine/threonine kinase; minus strand). Cytogenetic location: 2q13.
Variant type: single nucleotide variant.
Coding change: c.1652G>A on transcript NM_004336.5 (MANE Select); coding-DNA position 1652, G replaced by A.
Protein change: p.Arg551Lys; replaces arginine 551 with lysine.
Molecular consequence: missense variant.
Genome position (GRCh38, 1-based): chr2:110,657,082, C>T on the plus strand (G>A on the coding strand, the complement: BUB1 is on the minus strand). VCF-style: chr2-110657082-C-T. GRCh37 (hg19) VCF-style: chr2-111414659-C-T.
Other names: c.1592G>A, p.Arg531Lys (NM_001278616.2); c.1652G>A, p.Arg551Lys (NM_001278617.2); short protein forms R551K, R531K.
Identifiers: ClinVar variation 1777280 (VCV001777280.2), dbSNP rs2468006061, ClinGen allele CA348211457.

ClinVar aggregate classification (germline): Uncertain significance (1 of 4 stars; one submission).

Submission:

Ambry Genetics
Classification: Uncertain significance. Last evaluated: 2024-03-13. Review status: criteria provided, single submitter. Criteria: Ambry Variant Classification Scheme 2023. Collection method: clinical testing. Allele origin: germline.
Comment: The p.R551K variant (also known as c.1652G>A), located in coding exon 15 of the BUB1 gene, results from a G to A substitution at nucleotide position 1652. The arginine at codon 551 is replaced by lysine, an amino acid with highly similar properties. This amino acid position is conserved. In addition, this alteration is predicted to be tolerated by in silico analysis. Since supporting evidence is limited at this time, the clinical significance of this alteration remains unclear.